The following is an entry in ClinVar:

NM_000038.6(APC):c.1050T>G (p.Ser350=)

Gene: APC (APC regulator of Wnt signaling pathway; plus strand). Cytogenetic location: 5q22.2.
Variant type: single nucleotide variant.
Coding change: c.1050T>G on transcript NM_000038.6 (MANE Select); coding-DNA position 1050, T replaced by G.
Protein change: p.Ser350=; no amino-acid change (serine 350 retained).
Molecular consequence: synonymous variant. On other transcripts: intron variant (4).
Genome position (GRCh38, 1-based): chr5:112,819,082, T>G. VCF-style: chr5-112819082-T-G. GRCh37 (hg19) VCF-style: chr5-112154779-T-G.
Other names: c.1050T>G, p.Ser350= (NM_001127510.3, NM_001354895.2, NM_001354896.2); c.996T>G, p.Ser332= (NM_001127511.3); c.1080T>G, p.Ser360= (NM_001354897.2); c.975T>G, p.Ser325= (NM_001354898.2); c.966T>G, p.Ser322= (NM_001354899.2); c.873T>G, p.Ser291= (NM_001354900.2, NM_001354901.2); c.201T>G, p.Ser67= (NM_001354906.2); c.964-187T>G (NM_001354902.2); and 3 more.
Identifiers: ClinVar variation 219991 (VCV000219991.24), dbSNP rs760345157, ClinGen allele CA026661.
Genomic context (GRCh38, chr5:112,819,082, plus strand): 5'-GTCGCGAACTTTGCTAGCTATGTCTAGCTCCCAAGACAGCTGTATATCCATGCGACAGTC[T>G]GGATGTCTTCCTCTCCTCATCCAGCTTTTACATGGCAATGACAAAGACTCTGTATTGTTG-3'
Protein context (NP_000029.2, residues 340-360): SQDSCISMRQ[Ser350=]GCLPLLIQLL

ClinVar aggregate classification (germline): Benign/Likely benign. Review status: criteria provided, multiple submitters, no conflicts (2 of 4 stars). 9 submissions from 9 submitters: Benign (2); Likely benign (7). Last evaluated 2025-12-21.

Conditions:
Classic or attenuated familial adenomatous polyposis. Identifiers: MedGen CN372698, MONDO:0021057.
Hereditary cancer-predisposing syndrome. Also called: Hereditary neoplastic syndrome; Tumor predisposition; Hereditary Cancer Syndrome; Neoplastic Syndromes, Hereditary. Identifiers: Orphanet 140162, MedGen C0027672, MeSH D009386, MONDO:0015356.
Familial adenomatous polyposis 1 (FAP1). Also called: FAMILIAL ADENOMATOUS POLYPOSIS 1, ATTENUATED; POLYPOSIS, ADENOMATOUS INTESTINAL. Identifiers: MedGen C2713442, MONDO:0021056, OMIM 175100. Disease mechanism: loss of function.

Allele frequency attached by ClinVar (database versions not stated): gnomAD 0.00001; gnomAD exomes 0.00002 and 0.00006; TOPMed 0.00004; ExAC 0.00007.
gnomAD v4.1: 33 of 1,614,028 alleles (0.002%); highest among the groups gnomAD compares: East Asian, 0.06%; no homozygotes.

Submissions (9):

Labcorp Genetics (formerly Invitae), Labcorp
Classification: Likely benign for Familial adenomatous polyposis 1. Last evaluated: 2025-12-21. Review status: criteria provided, single submitter. Criteria: Invitae Variant Classification Sherloc (09022015). Collection method: clinical testing. Allele origin: germline.

Myriad Genetics, Inc.
Classification: Benign for Familial adenomatous polyposis 1. Last evaluated: 2024-02-29. Review status: criteria provided, single submitter. Criteria: Myriad Autosomal Dominant, Autosomal Recessive and X-Linked Classification Criteria (2023). Collection method: clinical testing. Allele origin: unknown.
Comment: This variant is considered benign. This variant is a silent/synonymous amino acid change and it is not expected to impact splicing.

All of Us Research Program, National Institutes of Health
Classification: Likely benign for Classic or attenuated familial adenomatous polyposis. Last evaluated: 2023-11-20. Review status: criteria provided, single submitter. Criteria: ACMG Guidelines, 2015. Collection method: clinical testing. Allele origin: germline. Inheritance: Autosomal dominant inheritance. Observed: 8 variant alleles, 8 heterozygotes.
Comment: This study involves interpretation of variants in research participants for the purpose of population health screening. Participant phenotype was not available at the time of variant classification. Additional details can be found in publication PMID: 35346344, PMCID: PMC8962531

Women's Health and Genetics/Laboratory Corporation of America, LabCorp
Classification: Likely benign. Last evaluated: 2022-04-11. Review status: criteria provided, single submitter. Criteria: LabCorp Variant Classification Summary - May 2015. Collection method: clinical testing. Allele origin: germline.

Sema4
Classification: Likely benign for Hereditary cancer-predisposing syndrome. Last evaluated: 2020-11-19. Review status: criteria provided, single submitter. Criteria: Sema4 Curation Guidelines. Collection method: curation. Allele origin: germline.

GeneDx
Classification: Likely benign. Last evaluated: 2019-11-14. Review status: criteria provided, single submitter. Criteria: GeneDx Variant Classification Process June 2021. Collection method: clinical testing. Allele origin: germline. Affected: yes.
Comment: This variant is associated with the following publications: (PMID: 16569251)

Quest Diagnostics Nichols Institute San Juan Capistrano
Classification: Benign. Last evaluated: 2019-03-29. Review status: criteria provided, single submitter. Criteria: Quest Diagnostics criteria. Collection method: clinical testing. Allele origin: germline.

Color Diagnostics, LLC DBA Color Health
Classification: Likely benign for Hereditary cancer-predisposing syndrome. Last evaluated: 2017-01-12. Review status: criteria provided, single submitter. Criteria: ACMG Guidelines, 2015. Collection method: clinical testing. Allele origin: germline.

Ambry Genetics
Classification: Likely benign for Hereditary cancer-predisposing syndrome. Last evaluated: 2016-07-11. Review status: criteria provided, single submitter. Criteria: Ambry Variant Classification Scheme 2023. Collection method: clinical testing. Allele origin: germline.

Literature cited by the submitters: PubMed 16569251 (cited by Quest Diagnostics Nichols Institute San Juan Capistrano).